The following is an entry in ClinVar:

NM_005529.7(HSPG2):c.11300C>T (p.Thr3767Ile)

Gene: HSPG2 (heparan sulfate proteoglycan 2; minus strand). Cytogenetic location: 1p36.12.
Variant type: single nucleotide variant.
Coding change: c.11300C>T on transcript NM_005529.7 (MANE Select); coding-DNA position 11300, C replaced by T.
Protein change: p.Thr3767Ile; replaces threonine 3767 with isoleucine.
Molecular consequence: missense variant.
Genome position (GRCh38, 1-based): chr1:21,831,704, G>A on the plus strand (C>T on the coding strand, the complement: HSPG2 is on the minus strand). VCF-style: chr1-21831704-G-A. GRCh37 (hg19) VCF-style: chr1-22158197-G-A.
Other names: c.11303C>T, p.Thr3768Ile (NM_001291860.2); short protein forms T3768I, T3767I.
Identifiers: ClinVar variation 1486424 (VCV001486424.6), dbSNP rs941414865, ClinGen allele CA19096122.

ClinVar aggregate classification (germline): Uncertain significance (1 of 4 stars; one submission).

Allele frequency attached by ClinVar (database versions not stated): gnomAD 0.00001; gnomAD exomes below 0.00001; TOPMed below 0.00001.
gnomAD v4.1: 1 of 1,606,572 alleles (0.000062%); highest among the groups gnomAD compares: African/African-American, 0.0013%; no homozygotes.

Submission:

Labcorp Genetics (formerly Invitae), Labcorp
Classification: Uncertain significance. Last evaluated: 2022-10-17. Review status: criteria provided, single submitter. Criteria: Invitae Variant Classification Sherloc (09022015). Collection method: clinical testing. Allele origin: germline.
Comment: In summary, the available evidence is currently insufficient to determine the role of this variant in disease. Therefore, it has been classified as a Variant of Uncertain Significance. Algorithms developed to predict the effect of missense changes on protein structure and function are either unavailable or do not agree on the potential impact of this missense change (SIFT: "Tolerated"; PolyPhen-2: "Probably Damaging"; Align-GVGD: "Class C0"). This sequence change replaces threonine, which is neutral and polar, with isoleucine, which is neutral and non-polar, at codon 3767 of the HSPG2 protein (p.Thr3767Ile). ClinVar contains an entry for this variant (Variation ID: 1486424). This variant has not been reported in the literature in individuals affected with HSPG2-related conditions. The frequency data for this variant in the population databases is considered unreliable, as metrics indicate poor data quality at this position in the gnomAD database.